The following is an entry in ClinVar:

NM_001134407.3(GRIN2A):c.1553G>T (p.Arg518Leu)

Gene: GRIN2A (glutamate ionotropic receptor NMDA type subunit 2A; minus strand). Cytogenetic location: 16p13.2.
Variant type: single nucleotide variant.
Coding change: c.1553G>T on transcript NM_001134407.3 (MANE Select); coding-DNA position 1553, G replaced by T.
Protein change: p.Arg518Leu; replaces arginine 518 with leucine.
Molecular consequence: missense variant.
Genome position (GRCh38, 1-based): chr16:9,840,745, C>A on the plus strand (G>T on the coding strand, the complement: GRIN2A is on the minus strand). VCF-style: chr16-9840745-C-A. GRCh37 (hg19) VCF-style: chr16-9934602-C-A.
Other names: c.1553G>T, p.Arg518Leu (NM_000833.5, NM_001134408.2); short protein forms R518L.
Identifiers: ClinVar variation 567708 (VCV000567708.6), dbSNP rs397518470, ClinGen allele CA394800382.

ClinVar aggregate classification (germline): Pathogenic (1 of 4 stars; one submission).

Conditions:
Landau-Kleffner syndrome (FESD). Also called: EPILEPSY, FOCAL, WITH SPEECH DISORDER AND WITH OR WITHOUT MENTAL RETARDATION; APHASIA, ACQUIRED, WITH EPILEPSY. Identifiers: Orphanet 1945, Orphanet 725, Orphanet 98818, MedGen C0282512, MONDO:0009509, OMIM 245570.

Submission:

Labcorp Genetics (formerly Invitae), Labcorp
Classification: Pathogenic for Landau-Kleffner syndrome. Last evaluated: 2018-05-29. Review status: criteria provided, single submitter. Criteria: Invitae Variant Classification Sherloc (09022015). Collection method: clinical testing. Allele origin: germline.
Comment: This sequence change replaces arginine with leucine at codon 518 of the GRIN2A protein (p.Arg518Leu). The arginine residue is highly conserved and there is a moderate physicochemical difference between arginine and leucine. For these reasons, this variant has been classified as Pathogenic. A different missense substitution at this codon (p.Arg518His) has been determined to be pathogenic (PMID: 23933820, 24828792, 27839871). This suggests that the arginine residue is critical for GRIN2A protein function and that other missense substitutions at this position may also be pathogenic. Algorithms developed to predict the effect of missense changes on protein structure and function (SIFT, PolyPhen-2, Align-GVGD) all suggest that this variant is likely to be disruptive, but these predictions have not been confirmed by published functional studies and their clinical significance is uncertain. This variant is not present in population databases (ExAC no frequency).

Literature cited by the submitters: PubMed 23933820; PubMed 24828792; PubMed 27839871.